The following is an entry in ClinVar:

NM_144639.3(UROC1):c.709G>C (p.Glu237Gln)

Gene: UROC1 (urocanate hydratase 1; minus strand). Cytogenetic location: 3q21.3.
Variant type: single nucleotide variant.
Coding change: c.709G>C on transcript NM_144639.3 (MANE Select); coding-DNA position 709, G replaced by C.
Protein change: p.Glu237Gln; replaces glutamic acid 237 with glutamine.
Molecular consequence: missense variant.
Genome position (GRCh38, 1-based): chr3:126,505,805, C>G on the plus strand (G>C on the coding strand, the complement: UROC1 is on the minus strand). VCF-style: chr3-126505805-C-G. GRCh37 (hg19) VCF-style: chr3-126224648-C-G.
Other names: c.709G>C, p.Glu237Gln (NM_001165974.2); short protein forms E237Q.
Identifiers: ClinVar variation 719663 (VCV000719663.5), dbSNP rs150437149, ClinGen allele CA2591414.

ClinVar aggregate classification (germline): Conflicting classifications of pathogenicity. Review status: criteria provided, conflicting classifications (1 of 4 stars). 2 submissions from 2 submitters: Uncertain significance (1); Likely benign (1). Last evaluated 2023-10-16.

Allele frequency attached by ClinVar (database versions not stated): ESP Exome Variant Server 0.00008; TOPMed 0.00047; 1000 Genomes Project 0.00060.
gnomAD v4.1: 746 of 1,613,918 alleles (0.046%); highest among the groups gnomAD compares: Admixed American, 0.25%; 1 homozygote.

Submissions (2):

Women's Health and Genetics/Laboratory Corporation of America, LabCorp
Classification: Uncertain significance. Last evaluated: 2023-10-16. Review status: criteria provided, single submitter. Criteria: LabCorp Variant Classification Summary - May 2015. Collection method: clinical testing. Allele origin: germline.
Comment: Variant summary: UROC1 c.709G>C (p.Glu237Gln) results in a conservative amino acid change located in the Urocanase, Rossmann-like domain (IPR035085) of the encoded protein sequence. Five of five in-silico tools predict a benign effect of the variant on protein function. The variant allele was found at a frequency of 0.00053 in 250550 control chromosomes in the gnomAD database, including 1 homozygotes suggesting a benign role for this variant. To our knowledge, no occurrence of c.709G>C in individuals affected with Urocanate Hydratase Deficiency and no experimental evidence demonstrating its impact on protein function have been reported. One submitter has cited clinical-significance assessments for this variant to ClinVar after 2014 and has classified the variant as likely benign. Based on the evidence outlined above, the variant was classified as uncertain significance.

Labcorp Genetics (formerly Invitae), Labcorp
Classification: Likely benign. Last evaluated: 2019-12-31. Review status: criteria provided, single submitter. Criteria: Invitae Variant Classification Sherloc (09022015). Collection method: clinical testing. Allele origin: germline.